The following is an entry in ClinVar:

ClinVar aggregate classification (germline): Uncertain significance (1 of 4 stars; one submission).

Conditions:
Gastrointestinal stromal tumor. Also called: Gastrointestinal stroma tumor; Gastrointestinal stromal tumor, somatic. Identifiers: Orphanet 44890, MedGen C0238198, MeSH D046152, MONDO:0011719, OMIM 606764, HP:0100723.

Submission:

Labcorp Genetics (formerly Invitae), Labcorp
Classification: Uncertain significance for Gastrointestinal stromal tumor. Last evaluated: 2025-04-24. Review status: criteria provided, single submitter. Criteria: Invitae Variant Classification Sherloc (09022015). Collection method: clinical testing. Allele origin: germline.
Comment: This sequence change replaces leucine, which is neutral and non-polar, with methionine, which is neutral and non-polar, at codon 1034 of the PDGFRA protein (p.Leu1034Met). This variant is not present in population databases (gnomAD no frequency). This variant has not been reported in the literature in individuals affected with PDGFRA-related conditions. Invitae Evidence Modeling of protein sequence and biophysical properties (such as structural, functional, and spatial information, amino acid conservation, physicochemical variation, residue mobility, and thermodynamic stability) indicates that this missense variant is not expected to disrupt PDGFRA protein function with a negative predictive value of 80%. In summary, the available evidence is currently insufficient to determine the role of this variant in disease. Therefore, it has been classified as a Variant of Uncertain Significance.

NM_006206.6(PDGFRA):c.3100C>A (p.Leu1034Met)

Gene: PDGFRA (platelet derived growth factor receptor alpha; plus strand). Cytogenetic location: 4q12.
Variant type: single nucleotide variant.
Coding change: c.3100C>A on transcript NM_006206.6 (MANE Select); coding-DNA position 3100, C replaced by A.
Protein change: p.Leu1034Met; replaces leucine 1034 with methionine.
Molecular consequence: missense variant.
Genome position (GRCh38, 1-based): chr4:54,290,532, C>A. VCF-style: chr4-54290532-C-A. GRCh37 (hg19) VCF-style: chr4-55156699-C-A.
Other names: c.3175C>A, p.Leu1059Met (NM_001347828.2); c.3100C>A, p.Leu1034Met (NM_001347829.2); c.3139C>A, p.Leu1047Met (NM_001347830.2); short protein forms L1059M, L1047M, L1034M.
Identifiers: ClinVar variation 4777969 (VCV004777969.1).